The following is an entry in ClinVar:

NM_001384732.1(CPLANE1):c.178T>C (p.Phe60Leu)

Gene: CPLANE1 (ciliogenesis and planar polarity effector complex subunit 1; minus strand). Cytogenetic location: 5p13.2.
Variant type: single nucleotide variant.
Coding change: c.178T>C on transcript NM_001384732.1 (MANE Select); coding-DNA position 178, T replaced by C.
Protein change: p.Phe60Leu; replaces phenylalanine 60 with leucine.
Molecular consequence: missense variant.
Genome position (GRCh38, 1-based): chr5:37,245,749, A>G on the plus strand (T>C on the coding strand, the complement: CPLANE1 is on the minus strand). VCF-style: chr5-37245749-A-G. GRCh37 (hg19) VCF-style: chr5-37245851-A-G.
Other names: c.178T>C, p.Phe60Leu (NM_023073.4); short protein forms F60L.
Identifiers: ClinVar variation 2119247 (VCV002119247.4), dbSNP rs1427434547, ClinGen allele CA359524323.
Genomic context (GRCh38, chr5:37,245,749, plus strand): 5'-AAAATATCAGTACTACTTAACCATTACTGGATGTTGTTAGGACAATAACATCCTTCAAGA[A>G]AGGCTGCAGACTAGGAATTTTCTTCTTTATCTTTCCTGATAGCAAATTAATTTCATTTAT-3'
Protein context (NP_001371661.1, residues 50-70): IKKKIPSLQP[Phe60Leu]LKDVIVLTTS

ClinVar aggregate classification (germline): Uncertain significance (1 of 4 stars; one submission).

Allele frequency attached by ClinVar (database versions not stated): gnomAD exomes below 0.00001; gnomAD 0.00001; TOPMed 0.00001.

Submission:

Labcorp Genetics (formerly Invitae), Labcorp
Classification: Uncertain significance. Last evaluated: 2022-06-08. Review status: criteria provided, single submitter. Criteria: Invitae Variant Classification Sherloc (09022015). Collection method: clinical testing. Allele origin: germline.
Comment: This variant has not been reported in the literature in individuals affected with CPLANE1-related conditions. In summary, the available evidence is currently insufficient to determine the role of this variant in disease. Therefore, it has been classified as a Variant of Uncertain Significance. Advanced modeling of protein sequence and biophysical properties (such as structural, functional, and spatial information, amino acid conservation, physicochemical variation, residue mobility, and thermodynamic stability) performed at Invitae indicates that this missense variant is not expected to disrupt CPLANE1 protein function. This variant is present in population databases (no rsID available, gnomAD 0.002%). This sequence change replaces phenylalanine, which is neutral and non-polar, with leucine, which is neutral and non-polar, at codon 60 of the CPLANE1 protein (p.Phe60Leu).